The following is an entry in ClinVar:

NM_001286577.2(C2CD3):c.2359_2360delinsAT (p.Ser787Ile)

Gene: C2CD3 (C2 domain containing 3 centriole elongation regulator; minus strand). Cytogenetic location: 11q13.4.
Variant type: Indel.
Coding change: c.2359_2360delinsAT on transcript NM_001286577.2 (MANE Select); coding-DNA positions 2359 to 2360, TC replaced by AT.
Protein change: p.Ser787Ile; replaces serine 787 with isoleucine.
Molecular consequence: missense variant.
Genome position (GRCh38, 1-based): chr11:74,103,351-74,103,352, GA replaced by AT on the plus strand (TC replaced by AT on the coding strand, the reverse complement: C2CD3 is on the minus strand). VCF-style: chr11-74103351-GA-AT. GRCh37 (hg19) VCF-style: chr11-73814396-GA-AT.
Other names: c.2359_2360delinsAT, p.Ser787Ile (NM_015531.6); c.2359_2360delTCinsAT (NM_015531.4); short protein forms S787I.
Identifiers: ClinVar variation 1436185 (VCV001436185.7), dbSNP rs2135496748, ClinGen allele CA2573147698.

ClinVar aggregate classification (germline): Uncertain significance. Review status: criteria provided, multiple submitters, no conflicts (2 of 4 stars). 2 submissions from 2 submitters: Uncertain significance (2). Last evaluated 2022-02-10.

Conditions:
Inborn genetic diseases. Identifiers: MedGen C0950123, MeSH D030342.

Submissions (2):

Labcorp Genetics (formerly Invitae), Labcorp
Classification: Uncertain significance. Last evaluated: 2022-02-10. Review status: criteria provided, single submitter. Criteria: Invitae Variant Classification Sherloc (09022015). Collection method: clinical testing. Allele origin: germline.
Comment: This sequence change replaces serine with isoleucine at codon 787 of the C2CD3 protein (p.Ser787Ile). The serine residue is weakly conserved and there is a large physicochemical difference between serine and isoleucine. This variant is present in population databases (no rsID available, gnomAD 1.1%). This variant has not been reported in the literature in individuals affected with C2CD3-related conditions. Algorithms developed to predict the effect of missense changes on protein structure and function are either unavailable or do not agree on the potential impact of this missense change (SIFT: "Not Available"; PolyPhen-2: "Possibly Damaging"; Align-GVGD: "Not Available"). In summary, the available evidence is currently insufficient to determine the role of this variant in disease. Therefore, it has been classified as a Variant of Uncertain Significance.

Ambry Genetics
Classification: Uncertain significance for Inborn genetic diseases. Last evaluated: 2020-11-12. Review status: criteria provided, single submitter. Criteria: Ambry Variant Classification Scheme 2023. Collection method: clinical testing. Allele origin: germline.
Comment: The c.2359_2360delTCinsAT (p.S787I) alteration, located in exon 14 (coding exon 14) of the C2CD3 gene, consists of an in-frame substitution of 2 nucleotides from position 2359 to 2360, causing the serine (S) at amino acid position 787 to be replaced by an isoleucine (I). Based on insufficient or conflicting evidence, the clinical significance of this alteration remains unclear.